The following is an entry in ClinVar:

ClinVar aggregate classification (germline): Uncertain significance (1 of 4 stars; one submission).

gnomAD v4.1: 4 of 1,614,066 alleles (0.00025%); highest among the groups gnomAD compares: Admixed American, 0.0067%; no homozygotes.

Submission:

GeneDx
Classification: Uncertain significance. Last evaluated: 2024-05-09. Review status: criteria provided, single submitter. Criteria: GeneDx Variant Classification Process June 2021. Collection method: clinical testing. Allele origin: germline. Affected: yes.
Comment: Not observed at significant frequency in large population cohorts (gnomAD); In silico analysis indicates that this missense variant does not alter protein structure/function; Has not been previously published as pathogenic or benign to our knowledge

NM_006420.3(ARFGEF2):c.4721A>G (p.Lys1574Arg)

Gene: ARFGEF2 (ARF guanine nucleotide exchange factor 2; plus strand). Cytogenetic location: 20q13.13.
Variant type: single nucleotide variant.
Coding change: c.4721A>G on transcript NM_006420.3 (MANE Select); coding-DNA position 4721, A replaced by G.
Protein change: p.Lys1574Arg; replaces lysine 1574 with arginine.
Molecular consequence: missense variant.
Genome position (GRCh38, 1-based): chr20:49,023,147, A>G. VCF-style: chr20-49023147-A-G. GRCh37 (hg19) VCF-style: chr20-47639684-A-G.
Other names: c.4718A>G, p.Lys1573Arg (NM_001410846.1); short protein forms K1573R, K1574R.
Identifiers: ClinVar variation 3375563 (VCV003375563.1).